The following is an entry in ClinVar:

NC_000004.11:g.(?_106155100)_(106197676_?)del

Gene: TET2 (tet methylcytosine dioxygenase 2; plus strand). Cytogenetic location: 4q24.
Variant type: Deletion.
Identifiers: ClinVar variation 3246715 (VCV003246715.1).

ClinVar aggregate classification (germline): Pathogenic (1 of 4 stars; one submission).

Submission:

Labcorp Genetics (formerly Invitae), Labcorp
Classification: Pathogenic. Last evaluated: 2023-08-22. Review status: criteria provided, single submitter. Criteria: Invitae Variant Classification Sherloc (09022015). Collection method: clinical testing. Allele origin: unknown.
Comment: A gross deletion of the genomic region encompassing the full coding sequence of the TET2 gene has been identified. Loss-of-function variants in TET2 are known to be pathogenic (PMID: 36066697). The boundaries of this event are unknown as they extend beyond the assayed region for this gene and therefore may encompass additional genes. This variant has not been reported in the literature in individuals affected with TET2-related conditions. For these reasons, this variant has been classified as Pathogenic.

Literature cited by the submitters: PubMed 36066697.